The following is an entry in ClinVar:

ClinVar aggregate classification (germline): Likely benign. Review status: criteria provided, multiple submitters, no conflicts (2 of 4 stars). 6 submissions from 6 submitters: Likely benign (6). Last evaluated 2025-07-31.

Conditions:
LRSAM1-related disorder. Also called: LRSAM1-related condition.
Charcot-Marie-Tooth disease. Also called: Charcot-Marie-Tooth Hereditary Neuropathy; Charcot-Marie-Tooth Neuropathy. Identifiers: Orphanet 166, MedGen C0007959, MONDO:0015626.
Inborn genetic diseases. Identifiers: MedGen C0950123, MeSH D030342.
Charcot-Marie-Tooth disease axonal type 2P. Also called: CHARCOT-MARIE-TOOTH NEUROPATHY, TYPE 2P; CHARCOT-MARIE-TOOTH DISEASE, AXONAL, TYPE 2G; CMT 2G; Charcot-Marie-Tooth Neuropathy Type 2G. Identifiers: Orphanet 300319, Orphanet 99941, MedGen C3280797, MONDO:0013753, OMIM 614436.

Allele frequency attached by ClinVar (database versions not stated): gnomAD 0.00004; gnomAD exomes 0.00005 and 0.00014; TOPMed 0.00007; 1000 Genomes Project 30x 0.00016; ExAC 0.00017; 1000 Genomes Project 0.00020.
gnomAD v4.1: 87 of 1,612,518 alleles (0.0054%); highest among the groups gnomAD compares: East Asian, 0.091%; no homozygotes.

Submissions (6):

PreventionGenetics, part of Exact Sciences
Classification: Likely benign for LRSAM1-related condition. Last evaluated: 2025-07-31. Review status: criteria provided, single submitter. Criteria: ACMG Guidelines, 2015. Collection method: clinical testing. Allele origin: germline.
Comment: This variant is classified as likely benign based on ACMG/AMP sequence variant interpretation guidelines (Richards et al. 2015 PMID: 25741868, with internal and published modifications).

Blueprint Genetics
Classification: Likely benign. Last evaluated: 2024-10-03. Review status: criteria provided, single submitter. Criteria: ACMG Guidelines, 2015. Collection method: clinical testing. Allele origin: germline.

Labcorp Genetics (formerly Invitae), Labcorp
Classification: Likely benign for Charcot-Marie-Tooth disease axonal type 2P. Last evaluated: 2024-06-04. Review status: criteria provided, single submitter. Criteria: Invitae Variant Classification Sherloc (09022015). Collection method: clinical testing. Allele origin: germline.

Ambry Genetics
Classification: Likely benign for Inborn genetic diseases. Last evaluated: 2019-07-11. Review status: criteria provided, single submitter. Criteria: Ambry Variant Classification Scheme 2023. Collection method: clinical testing. Allele origin: germline.

Illumina Laboratory Services, Illumina
Classification: Likely benign for Charcot-Marie-Tooth disease axonal type 2P. Last evaluated: 2018-01-13. Review status: criteria provided, single submitter. Criteria: ICSL Variant Classification Criteria 13 December 2019. Collection method: clinical testing. Allele origin: germline.
Comment: This variant was observed in the ICSL laboratory as part of a predisposition screen in an ostensibly healthy population. It had not been previously curated by ICSL or reported in the Human Gene Mutation Database (HGMD: prior to June 1st, 2018), and was therefore a candidate for classification through an automated scoring system. Utilizing variant allele frequency, disease prevalence and penetrance estimates, and inheritance mode, an automated score was calculated to assess if this variant is too frequent to cause the disease. Based on the score and internal cut-off values, a variant classified as likely benign is not then subjected to further curation. The score for this variant resulted in a classification of likely benign for this disease.

Molecular Genetics Laboratory, London Health Sciences Centre
Classification: Likely benign for Charcot-Marie-Tooth disease. Review status: criteria provided, single submitter. Criteria: ACMG Guidelines, 2015. Collection method: clinical testing. Allele origin: germline. Affected: yes.

NM_001005373.4(LRSAM1):c.954C>T (p.Asn318=)

Gene: LRSAM1 (leucine rich repeat and sterile alpha motif containing 1; plus strand). Cytogenetic location: 9q33.3.
Variant type: single nucleotide variant.
Coding change: c.954C>T on transcript NM_001005373.4 (MANE Select); coding-DNA position 954, C replaced by T.
Protein change: p.Asn318=; no amino-acid change (asparagine 318 retained).
Molecular consequence: synonymous variant. On other transcripts: non-coding transcript variant (2).
Genome position (GRCh38, 1-based): chr9:127,479,889, C>T. VCF-style: chr9-127479889-C-T. GRCh37 (hg19) VCF-style: chr9-130242168-C-T.
Other names: c.954C>T, p.Asn318= (NM_001005374.4, NM_001190723.3, NM_001384142.1 and 2 more transcripts); c.165C>T, p.Asn55= (NM_001384144.1); c.954C>T (NM_138361.4).
Identifiers: ClinVar variation 365022 (VCV000365022.18), dbSNP rs200527839, ClinGen allele CA5246769.
Genomic context (GRCh38, chr9:127,479,889, plus strand): 5'-CCGGCTGCAGGAGCAGTCCCGGCTGGAGCAGGGCCTGAGTGAGCACCAGCGCCACCTCAA[C>T]GCAGAGCGGCAGCGGCTGCAGGAGCAGCTGAAGCAGACGGAACAGAACATTTCCAGCCGG-3'
Protein context (NP_001005373.1, residues 308-328): QGLSEHQRHL[Asn318=]AERQRLQEQL